The following is an entry in ClinVar:

ClinVar aggregate classification (germline): Pathogenic. Review status: criteria provided, multiple submitters, no conflicts (2 of 4 stars). 2 submissions from 2 submitters: Pathogenic (2). Last evaluated 2025-03-27.

Conditions:
Cholestasis, progressive familial intrahepatic, 4. Identifiers: Orphanet 480483, Orphanet 79304, MedGen C2931067, MONDO:0014381, OMIM 615878.

Allele frequency attached by ClinVar (database versions not stated): gnomAD 0.00001; gnomAD exomes 0.00001; TOPMed 0.00001; ExAC 0.00002.
gnomAD v4.1: 18 of 1,613,876 alleles (0.0011%); highest among the groups gnomAD compares: Admixed American, 0.0017%; no homozygotes.

Submissions (2):

3billion
Classification: Pathogenic for Cholestasis, progressive familial intrahepatic, 4. Last evaluated: 2025-03-27. Review status: criteria provided, single submitter. Criteria: ACMG Guidelines, 2015. Collection method: clinical testing. Allele origin: germline. Affected: yes.
Comment: The variant is observed at an extremely low frequency in the gnomAD v4.1.0 dataset (total allele frequency: 0.001%). Predicted Consequence/Location: Stop-gained (nonsense): predicted to result in a loss or disruption of normal protein function through nonsense-mediated decay (NMD) or protein truncation. Multiple pathogenic variants are reported downstream of the variant. The variant was homozygous. The variant has been reported to be associated with TJP2-related disorder (ClinVar ID: VCV000805843 / PMID: 31696999). Therefore, this variant is classified as Pathogenic according to the recommendation of ACMG/AMP guideline.

The Center for Pediatric Liver Diseases, Children’s Hospital of Fudan University
Classification: Pathogenic for Cholestasis, progressive familial intrahepatic, 4. Last evaluated: 2019-10-15. Review status: criteria provided, single submitter. Criteria: ACMG Guidelines, 2015. Collection method: clinical testing. Allele origin: somatic. Affected: yes.

Literature cited by the submitters: PubMed 31696999 (cited by 3billion).

NM_004817.4(TJP2):c.2173C>T (p.Arg725Ter)

Gene: TJP2 (tight junction protein 2; plus strand). Cytogenetic location: 9q21.11.
Variant type: single nucleotide variant.
Coding change: c.2173C>T on transcript NM_004817.4 (MANE Select); coding-DNA position 2173, C replaced by T.
Protein change: p.Arg725Ter; replaces arginine 725 with a stop codon.
Molecular consequence: nonsense.
Genome position (GRCh38, 1-based): chr9:69,237,130, C>T. VCF-style: chr9-69237130-C-T. GRCh37 (hg19) VCF-style: chr9-71852046-C-T.
Other names: c.2104C>T, p.Arg702Ter (NM_001170414.2, NM_001369871.1); c.2185C>T, p.Arg729Ter (NM_001170415.1, NM_001369874.1, NM_001369875.1); c.2266C>T, p.Arg756Ter (NM_001170416.2); c.2098C>T, p.Arg700Ter (NM_001369870.1); c.2173C>T, p.Arg725Ter (NM_001369872.1, NM_001369873.1, NM_201629.3); short protein forms R700*, R702*, R725*, R729*, R756*.
Identifiers: ClinVar variation 805843 (VCV000805843.2), dbSNP rs748671901, ClinGen allele CA5073592.